The following is an entry in ClinVar:

NM_001161352.2(KCNMA1):c.2511C>T (p.Val837=)

Genes: KCNMA1 (potassium calcium-activated channel subfamily M alpha 1; minus strand), KCNMA1-AS1 (KCNMA1 antisense RNA 1; plus strand). Cytogenetic location: 10q22.3.
Variant type: single nucleotide variant.
Coding change: c.2511C>T on transcript NM_001161352.2 (MANE Select); coding-DNA position 2511, C replaced by T.
Protein change: p.Val837=; no amino-acid change (valine 837 retained).
Molecular consequence: synonymous variant.
Genome position (GRCh38, 1-based): chr10:76,949,340, G>A on the plus strand (C>T on the coding strand, the complement: KCNMA1 is on the minus strand). VCF-style: chr10-76949340-G-A. GRCh37 (hg19) VCF-style: chr10-78709098-G-A.
Other names: c.2349C>T, p.Val783= (NM_001014797.3, NM_001322835.2, NM_001322837.2); c.2460C>T, p.Val820= (NM_001161353.2); c.2187C>T, p.Val729= (NM_001271518.2); c.2346C>T, p.Val782= (NM_001271519.2, NM_001322829.2, NM_001322836.2); c.2358C>T, p.Val786= (NM_001322830.2); c.2337C>T, p.Val779= (NM_001322832.2, NM_002247.4); c.1884C>T, p.Val628= (NM_001322838.2).
Identifiers: ClinVar variation 879547 (VCV000879547.42), dbSNP rs200166976, ClinGen allele CA5568045.
Genomic context (GRCh38, chr10:76,949,340, plus strand): 5'-GAGGCCGATCAGGGCTGAGCTGACGTCGCCAAAGATGCAGACCACGACATGGCCACTCAG[G>A]ACGGTCATGGCAGCTTCACTTCGAGTCTACAACAGGGAGAAGTGGGTAAGAGTCAGAGAG-3'
Protein context (NP_001154824.1, residues 827-847): ILTRSEAAMT[Val837=]LSGHVVVCIF

ClinVar aggregate classification (germline): Conflicting classifications of pathogenicity. Review status: criteria provided, conflicting classifications (1 of 4 stars). 3 submissions from 3 submitters: Uncertain significance (1); Likely benign (2). Last evaluated 2023-06-04.

Conditions:
Generalized epilepsy-paroxysmal dyskinesia syndrome (PNKD3). Also called: Paroxysmal nonkinesigenic dyskinesia, 3, with or without generalized epilepsy; Generalized epilepsy and paroxysmal dyskinesia. Identifiers: Orphanet 79137, MedGen C5574945, MONDO:0012276, OMIM 609446.

Allele frequency attached by ClinVar (database versions not stated): gnomAD 0.00001; gnomAD exomes 0.00001; TOPMed 0.00001; ExAC 0.00002.
gnomAD v4.1: 13 of 1,613,964 alleles (0.00081%); highest among the groups gnomAD compares: Admixed American, 0.0033%; no homozygotes.

Submissions (3):

Labcorp Genetics (formerly Invitae), Labcorp
Classification: Likely benign for Generalized epilepsy-paroxysmal dyskinesia syndrome. Last evaluated: 2023-06-04. Review status: criteria provided, single submitter. Criteria: Invitae Variant Classification Sherloc (09022015). Collection method: clinical testing. Allele origin: germline.

CeGaT Center for Human Genetics Tuebingen
Classification: Likely benign. Last evaluated: 2022-10-01. Review status: criteria provided, single submitter. Criteria: CeGaT Center For Human Genetics Tuebingen Variant Classification Criteria Version 2. Collection method: clinical testing. Allele origin: germline. Affected: yes. Observed: 1 variant allele.
Comment: KCNMA1: BP4, BP7

Illumina Laboratory Services, Illumina
Classification: Uncertain significance for Generalized epilepsy-paroxysmal dyskinesia syndrome. Last evaluated: 2018-01-13. Review status: criteria provided, single submitter. Criteria: ICSL Variant Classification Criteria 13 December 2019. Collection method: clinical testing. Allele origin: germline.